The following is an entry in ClinVar:

NM_032217.5(ANKRD17):c.395T>C (p.Val132Ala)

Gene: ANKRD17 (ankyrin repeat domain 17; minus strand). Cytogenetic location: 4q13.3.
Variant type: single nucleotide variant.
Coding change: c.395T>C on transcript NM_032217.5 (MANE Select); coding-DNA position 395, T replaced by C.
Protein change: p.Val132Ala; replaces valine 132 with alanine.
Molecular consequence: missense variant.
Genome position (GRCh38, 1-based): chr4:73,177,532, A>G on the plus strand (T>C on the coding strand, the complement: ANKRD17 is on the minus strand). VCF-style: chr4-73177532-A-G. GRCh37 (hg19) VCF-style: chr4-74043249-A-G.
Other names: c.56T>C, p.Val19Ala (NM_001286771.3); c.395T>C, p.Val132Ala (NM_015574.2, NM_198889.3); short protein forms V132A, V19A.
Identifiers: ClinVar variation 4975841 (VCV004975841.1).

ClinVar aggregate classification (germline): Uncertain significance (1 of 4 stars; one submission).

Submission:

GeneDx
Classification: Uncertain significance. Last evaluated: 2026-02-04. Review status: criteria provided, single submitter. Criteria: GeneDx Variant Classification Process June 2021. Collection method: clinical testing. Allele origin: germline.
Comment: Not observed at significant frequency in large population cohorts (gnomAD); In silico analysis supports that this missense variant has a deleterious effect on protein structure/function; Has not been previously published as pathogenic or benign to our knowledge